The following is an entry in ClinVar:

NM_001278116.2(L1CAM):c.2978T>C (p.Leu993Pro)

Gene: L1CAM (L1 cell adhesion molecule; minus strand). Cytogenetic location: Xq28.
Variant type: single nucleotide variant.
Coding change: c.2978T>C on transcript NM_001278116.2 (MANE Select); coding-DNA position 2978, T replaced by C.
Protein change: p.Leu993Pro; replaces leucine 993 with proline.
Molecular consequence: missense variant.
Genome position (GRCh38, 1-based): chrX:153,864,889, A>G on the plus strand (T>C on the coding strand, the complement: L1CAM is on the minus strand). VCF-style: chrX-153864889-A-G. GRCh37 (hg19) VCF-style: chrX-153130344-A-G.
Other names: c.2978T>C, p.Leu993Pro (NM_000425.5, NM_024003.3); c.2963T>C, p.Leu988Pro (NM_001143963.2); short protein forms L988P, L993P.
Identifiers: ClinVar variation 1303733 (VCV001303733.2), dbSNP rs2148493621, ClinGen allele CA415114003.

ClinVar aggregate classification (germline): Uncertain significance (1 of 4 stars; one submission).

Submission:

GeneDx
Classification: Uncertain significance. Last evaluated: 2021-02-16. Review status: criteria provided, single submitter. Criteria: GeneDx Variant Classification Process June 2021. Collection method: clinical testing. Allele origin: germline. Affected: yes.
Comment: Not observed in large population cohorts (Lek et al., 2016); In silico analysis, which includes protein predictors and evolutionary conservation, supports a deleterious effect; Has not been previously published as pathogenic or benign to our knowledge